The following is an entry in ClinVar:

ClinVar aggregate classification (germline): Uncertain significance (1 of 4 stars; one submission).

Conditions:
Amyotrophic lateral sclerosis type 1 (ALS1). Also called: AMYOTROPHIC LATERAL SCLEROSIS 1, FAMILIAL. Identifiers: Orphanet 803, MedGen C1862939, MONDO:0007103, OMIM 105400.
Neuronopathy, distal hereditary motor, type 7B. Also called: NEURONOPATHY, DISTAL HEREDITARY MOTOR, AUTOSOMAL DOMINANT 14; NEURONOPATHY, DISTAL HEREDITARY MOTOR, HARDING TYPE VIIB; NEUROPATHY, DISTAL HEREDITARY MOTOR, HARDING TYPE VIIB; NEUROPATHY, DISTAL HEREDITARY MOTOR, WITH VOCAL CORD PARALYSIS, HARDING TYPE VIIB; Distal Hereditary Motor Neuronopathy Type 7B (dHMN7B); HMN VIIB. Identifiers: Orphanet 139589, MedGen C1843315, MONDO:0011879, OMIM 607641.
Perry syndrome. Also called: PARKINSONISM WITH ALVEOLAR HYPOVENTILATION AND MENTAL DEPRESSION. Identifiers: Orphanet 178509, MedGen C1868594, MONDO:0008201, OMIM 168605.

Allele frequency attached by ClinVar (database versions not stated): gnomAD 0.00001; gnomAD exomes 0.00001; TOPMed 0.00001; ExAC 0.00002.

Submission:

Labcorp Genetics (formerly Invitae), Labcorp
Classification: Uncertain significance for Amyotrophic lateral sclerosis type 1; Neuronopathy, distal hereditary motor, type 7B; Perry syndrome. Last evaluated: 2025-11-08. Review status: criteria provided, single submitter. Criteria: Invitae Variant Classification Sherloc (09022015). Collection method: clinical testing. Allele origin: germline.
Comment: This sequence change replaces valine, which is neutral and non-polar, with isoleucine, which is neutral and non-polar, at codon 823 of the DCTN1 protein (p.Val823Ile). This variant is present in population databases (rs753992154, gnomAD 0.003%). This variant has not been reported in the literature in individuals affected with DCTN1-related conditions. ClinVar contains an entry for this variant (Variation ID: 652089). Invitae Evidence Modeling of protein sequence and biophysical properties (such as structural, functional, and spatial information, amino acid conservation, physicochemical variation, residue mobility, and thermodynamic stability) indicates that this missense variant is not expected to disrupt DCTN1 protein function with a negative predictive value of 95%. In summary, the available evidence is currently insufficient to determine the role of this variant in disease. Therefore, it has been classified as a Variant of Uncertain Significance.

NM_004082.5(DCTN1):c.2467G>A (p.Val823Ile)

Gene: DCTN1 (dynactin subunit 1; minus strand). Cytogenetic location: 2p13.1.
Variant type: single nucleotide variant.
Coding change: c.2467G>A on transcript NM_004082.5 (MANE Select); coding-DNA position 2467, G replaced by A.
Protein change: p.Val823Ile; replaces valine 823 with isoleucine.
Molecular consequence: missense variant. On other transcripts: non-coding transcript variant (1).
Genome position (GRCh38, 1-based): chr2:74,366,620, C>T on the plus strand (G>A on the coding strand, the complement: DCTN1 is on the minus strand). VCF-style: chr2-74366620-C-T. GRCh37 (hg19) VCF-style: chr2-74593747-C-T.
Other names: c.2407G>A, p.Val803Ile (NM_001135040.3); c.2065G>A, p.Val689Ile (NM_001135041.3, NM_023019.4); c.2356G>A, p.Val786Ile (NM_001190836.2); c.2446G>A, p.Val816Ile (NM_001190837.2); c.2416G>A, p.Val806Ile (NM_001378991.1); c.2398G>A, p.Val800Ile (NM_001378992.1); short protein forms V786I, V816I, V823I, V689I, V803I, V800I, V806I.
Identifiers: ClinVar variation 652089 (VCV000652089.9), dbSNP rs753992154, ClinGen allele CA1721821.